The following is an entry in ClinVar:

ClinVar aggregate classification (germline): Benign/Likely benign. Review status: criteria provided, multiple submitters, no conflicts (2 of 4 stars). 4 submissions from 3 submitters: Benign (2); Likely benign (2). Last evaluated 2026-02-02.

Conditions:
Corneal dystrophy. Identifiers: Orphanet 34533, MedGen C0010036, MONDO:0018102, HP:0001131.
Bietti crystalline corneoretinal dystrophy (BCD). Also called: Bietti Crystalline Dystrophy; BIETTI TAPETORETINAL DEGENERATION WITH MARGINAL CORNEAL DYSTROPHY. Identifiers: Orphanet 41751, MedGen C1859486, MONDO:0008865, OMIM 210370.

Allele frequency attached by ClinVar (database versions not stated): gnomAD exomes 0.00293; ExAC 0.00392; gnomAD 0.01138 and 0.01209; TOPMed 0.01258; ESP Exome Variant Server 0.01338; 1000 Genomes Project 0.01358; 1000 Genomes Project 30x 0.01499.
gnomAD v4.1: 3,346 of 1,614,068 alleles (0.21%); highest among the groups gnomAD compares: African/African-American, 4%; 64 homozygotes.

Submissions (4):

Labcorp Genetics (formerly Invitae), Labcorp
Classification: Benign. Last evaluated: 2026-02-02. Review status: criteria provided, single submitter. Criteria: Invitae Variant Classification Sherloc (09022015). Collection method: clinical testing. Allele origin: germline.

Illumina Laboratory Services, Illumina
Classification: Likely benign for Corneal dystrophy. Last evaluated: 2018-01-12. Review status: criteria provided, single submitter. Criteria: ICSL Variant Classification Criteria 13 December 2019. Collection method: clinical testing. Allele origin: germline.
Comment: This variant was observed in the ICSL laboratory as part of a predisposition screen in an ostensibly healthy population. It had not been previously curated by ICSL or reported in the Human Gene Mutation Database (HGMD: prior to June 1st, 2018), and was therefore a candidate for classification through an automated scoring system. Utilizing variant allele frequency, disease prevalence and penetrance estimates, and inheritance mode, an automated score was calculated to assess if this variant is too frequent to cause the disease. Based on the score and internal cut-off values, a variant classified as likely benign is not then subjected to further curation. The score for this variant resulted in a classification of likely benign for this disease.

Illumina Laboratory Services, Illumina
Classification: Benign for Bietti crystalline corneoretinal dystrophy. Last evaluated: 2018-01-12. Review status: criteria provided, single submitter. Criteria: ICSL Variant Classification Criteria 13 December 2019. Collection method: clinical testing. Allele origin: germline.
Comment: This variant was observed in the ICSL laboratory as part of a predisposition screen in an ostensibly healthy population. It had not been previously curated by ICSL or reported in the Human Gene Mutation Database (HGMD: prior to June 1st, 2018), and was therefore a candidate for classification through an automated scoring system. Utilizing variant allele frequency, disease prevalence and penetrance estimates, and inheritance mode, an automated score was calculated to assess if this variant is too frequent to cause the disease. Based on the score and internal cut-off values, a variant classified as benign is not then subjected to further curation. The score for this variant resulted in a classification of benign for this disease.

Breakthrough Genomics
Classification: Likely benign. Review status: criteria provided, single submitter. Criteria: ACMG Guidelines, 2015. Collection method: not provided. Allele origin: germline. Inheritance: Autosomal recessive inheritance. Affected: yes.

NM_207352.4(CYP4V2):c.1536C>T (p.Gly512=)

Gene: CYP4V2 (cytochrome P450 family 4 subfamily V member 2; plus strand). Cytogenetic location: 4q35.2.
Variant type: single nucleotide variant.
Coding change: c.1536C>T on transcript NM_207352.4 (MANE Select); coding-DNA position 1536, C replaced by T.
Protein change: p.Gly512=; no amino-acid change (glycine 512 retained).
Molecular consequence: synonymous variant.
Genome position (GRCh38, 1-based): chr4:186,210,599, C>T. VCF-style: chr4-186210599-C-T. GRCh37 (hg19) VCF-style: chr4-187131753-C-T.
Identifiers: ClinVar variation 348315 (VCV000348315.16), dbSNP rs72646298, ClinGen allele CA3162890.